The following is an entry in ClinVar:

ClinVar aggregate classification (germline): Uncertain significance (1 of 4 stars; one submission).

Submission:

GeneDx
Classification: Uncertain significance. Last evaluated: 2019-07-11. Review status: criteria provided, single submitter. Criteria: GeneDx Variant Classification Process June 2021. Collection method: clinical testing. Allele origin: germline. Affected: yes.
Comment: In silico analysis, which includes protein predictors and evolutionary conservation, supports that this variant does not alter protein structure/function; Has not been previously published as pathogenic or benign to our knowledge

NM_001378454.1(ALMS1):c.10061T>C (p.Leu3354Ser)

Gene: ALMS1 (ALMS1 centrosome and basal body associated protein; plus strand). Cytogenetic location: 2p13.1.
Variant type: single nucleotide variant.
Coding change: c.10061T>C on transcript NM_001378454.1 (MANE Select); coding-DNA position 10061, T replaced by C.
Protein change: p.Leu3354Ser; replaces leucine 3354 with serine.
Molecular consequence: missense variant.
Genome position (GRCh38, 1-based): chr2:73,550,420, T>C. VCF-style: chr2-73550420-T-C. GRCh37 (hg19) VCF-style: chr2-73777547-T-C.
Other names: c.10064T>C, p.Leu3355Ser (NM_015120.4); short protein forms L3354S, L3355S.
Identifiers: ClinVar variation 1307054 (VCV001307054.2), dbSNP rs2104035328, ClinGen allele CA347272716.